The following is an entry in ClinVar:

ClinVar aggregate classification (germline): Uncertain significance (1 of 4 stars; one submission).

Conditions:
Neurofibromatosis, type 1 (NF1). Also called: Peripheral type neurofibromatosis; VON RECKLINGHAUSEN DISEASE; Neurofibromatosis, type I; NEUROFIBROMATOSIS, TYPE I, SOMATIC. Identifiers: Orphanet 636, MedGen C0027831, MONDO:0018975, OMIM 162200. Disease mechanism: loss of function.

Submission:

Labcorp Genetics (formerly Invitae), Labcorp
Classification: Uncertain significance for Neurofibromatosis, type 1. Last evaluated: 2023-04-25. Review status: criteria provided, single submitter. Criteria: Invitae Variant Classification Sherloc (09022015). Collection method: clinical testing. Allele origin: germline.
Comment: In summary, the available evidence is currently insufficient to determine the role of this variant in disease. Therefore, it has been classified as a Variant of Uncertain Significance. Advanced modeling of protein sequence and biophysical properties (such as structural, functional, and spatial information, amino acid conservation, physicochemical variation, residue mobility, and thermodynamic stability) has been performed at Invitae for this missense variant, however the output from this modeling did not meet the statistical confidence thresholds required to predict the impact of this variant on NF1 protein function. This variant has not been reported in the literature in individuals affected with NF1-related conditions. This variant is not present in population databases (gnomAD no frequency). This sequence change replaces isoleucine, which is neutral and non-polar, with valine, which is neutral and non-polar, at codon 1571 of the NF1 protein (p.Ile1571Val).

NM_001042492.3(NF1):c.4774A>G (p.Ile1592Val)

Gene: NF1 (neurofibromin 1; plus strand). Cytogenetic location: 17q11.2.
Variant type: single nucleotide variant.
Coding change: c.4774A>G on transcript NM_001042492.3 (MANE Select); coding-DNA position 4774, A replaced by G.
Protein change: p.Ile1592Val; replaces isoleucine 1592 with valine.
Molecular consequence: missense variant.
Genome position (GRCh38, 1-based): chr17:31,265,278, A>G. VCF-style: chr17-31265278-A-G. GRCh37 (hg19) VCF-style: chr17-29592296-A-G.
Other names: c.4711A>G, p.Ile1571Val (NM_000267.4); short protein forms I1592V, I1571V.
Identifiers: ClinVar variation 3002488 (VCV003002488.3), dbSNP rs2067765839, ClinGen allele CA399001261.